The following is an entry in ClinVar:

ClinVar aggregate classification (germline): Uncertain significance (1 of 4 stars; one submission).

Submission:

GeneDx
Classification: Uncertain significance. Last evaluated: 2021-10-26. Review status: criteria provided, single submitter. Criteria: GeneDx Variant Classification Process June 2021. Collection method: clinical testing. Allele origin: germline. Affected: yes.
Comment: Not observed in large population cohorts (Lek et al., 2016); In silico analysis supports that this missense variant has a deleterious effect on protein structure/function; Has not been previously published as pathogenic or benign to our knowledge

NM_020754.4(ARHGAP31):c.1465C>G (p.Pro489Ala)

Gene: ARHGAP31 (Rho GTPase activating protein 31; plus strand). Cytogenetic location: 3q13.33.
Variant type: single nucleotide variant.
Coding change: c.1465C>G on transcript NM_020754.4 (MANE Select); coding-DNA position 1465, C replaced by G.
Protein change: p.Pro489Ala; replaces proline 489 with alanine.
Molecular consequence: missense variant.
Genome position (GRCh38, 1-based): chr3:119,402,217, C>G. VCF-style: chr3-119402217-C-G. GRCh37 (hg19) VCF-style: chr3-119121064-C-G.
Other names: short protein forms P489A.
Identifiers: ClinVar variation 1321775 (VCV001321775.2), dbSNP rs2080617268, ClinGen allele CA354039573.
Genomic context (GRCh38, chr3:119,402,217, plus strand): 5'-AGCCTCTTCCAGATGGAGCCCTCGCCGCGTAACCAGCGCAAGGCGCTGAACATCTCCGAG[C>G]CCTTTGCGGTATCTGTGCCGCTCCGCGTGTCCGCAGTCATCAGCACCAACAGCACGCCGT-3'
Protein context (NP_065805.2, residues 479-499): NQRKALNISE[Pro489Ala]FAVSVPLRVS